The following is an entry in ClinVar:

ClinVar aggregate classification (germline): Uncertain significance (1 of 4 stars; one submission).

Conditions:
Alpha thalassemia-X-linked intellectual disability syndrome (ATRX). Also called: ALPHA-THALASSEMIA/MENTAL RETARDATION SYNDROME, X-LINKED; ATR, NONDELETION TYPE; ATR-X syndrome; Alpha thalassemia mental retardation syndrome, nondeletion type, X-linked; XLMR hypotonic face syndrome; X-linked alpha-thalassemia-mental retardation syndrome. Identifiers: Orphanet 847, MedGen C1845055, MONDO:0010519, OMIM 301040.

Submission:

Labcorp Genetics (formerly Invitae), Labcorp
Classification: Uncertain significance for Alpha thalassemia-X-linked intellectual disability syndrome. Last evaluated: 2022-09-01. Review status: criteria provided, single submitter. Criteria: Invitae Variant Classification Sherloc (09022015). Collection method: clinical testing. Allele origin: germline.
Comment: This variant is not present in population databases (gnomAD no frequency). This variant has not been reported in the literature in individuals affected with ATRX-related conditions. Advanced modeling of protein sequence and biophysical properties (such as structural, functional, and spatial information, amino acid conservation, physicochemical variation, residue mobility, and thermodynamic stability) performed at Invitae indicates that this missense variant is not expected to disrupt ATRX protein function. In summary, the available evidence is currently insufficient to determine the role of this variant in disease. Therefore, it has been classified as a Variant of Uncertain Significance. This sequence change replaces aspartic acid, which is acidic and polar, with glutamic acid, which is acidic and polar, at codon 137 of the ATRX protein (p.Asp137Glu).

NM_000489.6(ATRX):c.411C>A (p.Asp137Glu)

Gene: ATRX (ATRX chromatin remodeler; minus strand). Cytogenetic location: Xq21.1.
Variant type: single nucleotide variant.
Coding change: c.411C>A on transcript NM_000489.6 (MANE Select); coding-DNA position 411, C replaced by A.
Protein change: p.Asp137Glu; replaces aspartic acid 137 with glutamic acid.
Molecular consequence: missense variant. On other transcripts: intron variant (1).
Genome position (GRCh38, 1-based): chrX:77,693,897, G>T on the plus strand (C>A on the coding strand, the complement: ATRX is on the minus strand). VCF-style: chrX-77693897-G-T. GRCh37 (hg19) VCF-style: chrX-76949386-G-T.
Other names: c.370+2680C>A (NM_138270.5); short protein forms D137E.
Identifiers: ClinVar variation 1998998 (VCV001998998.4), dbSNP rs2520122405, ClinGen allele CA413723019.